The following is an entry in ClinVar:

NM_199420.4(POLQ):c.7562A>G (p.Lys2521Arg)

Gene: POLQ (DNA polymerase theta; minus strand). Cytogenetic location: 3q13.33.
Variant type: single nucleotide variant.
Coding change: c.7562A>G on transcript NM_199420.4 (MANE Select); coding-DNA position 7562, A replaced by G.
Protein change: p.Lys2521Arg; replaces lysine 2521 with arginine.
Molecular consequence: missense variant.
Genome position (GRCh38, 1-based): chr3:121,433,015, T>C on the plus strand (A>G on the coding strand, the complement: POLQ is on the minus strand). VCF-style: chr3-121433015-T-C. GRCh37 (hg19) VCF-style: chr3-121151862-T-C.
Other names: short protein forms K2521R.
Identifiers: ClinVar variation 1759529 (VCV001759529.2), dbSNP rs2546744924, ClinGen allele CA354093996.
Genomic context (GRCh38, chr3:121,433,015, plus strand): 5'-TCATCATGGAGTTGAAGGATGAAGAAGCCTCCTCTGATTGGGCAGAACATCCCTTGCAGT[T>C]TTCTCTTTCGTGACAATCCTACTTCATGAAAAAGGAGCAAAACTGATCAGCATGTCGCTA-3'
Protein context (NP_955452.3, residues 2511-2531): SDQTGLSRKR[Lys2521Arg]LQGMFCPIRG

ClinVar aggregate classification (germline): Uncertain significance (1 of 4 stars; one submission).

Allele frequency attached by ClinVar (database versions not stated): gnomAD exomes below 0.00001.
gnomAD v4.1: 5 of 1,609,316 alleles (0.00031%); highest among the groups gnomAD compares: African/African-American, 0.0013%; no homozygotes.

Submission:

Ambry Genetics
Classification: Uncertain significance. Last evaluated: 2023-11-09. Review status: criteria provided, single submitter. Criteria: Ambry Variant Classification Scheme 2023. Collection method: clinical testing. Allele origin: germline.
Comment: The p.K2521R variant (also known as c.7562A>G), located in coding exon 29 of the POLQ gene, results from an A to G substitution at nucleotide position 7562. The lysine at codon 2521 is replaced by arginine, an amino acid with highly similar properties. This amino acid position is conserved. In addition, this alteration is predicted to be tolerated by in silico analysis. Since supporting evidence is limited at this time, the clinical significance of this alteration remains unclear.